The following is an entry in ClinVar:

NM_153717.3(EVC):c.1115C>T (p.Thr372Met)

Gene: EVC (EvC ciliary complex subunit 1; plus strand). Cytogenetic location: 4p16.2.
Variant type: single nucleotide variant.
Coding change: c.1115C>T on transcript NM_153717.3 (MANE Select); coding-DNA position 1115, C replaced by T.
Protein change: p.Thr372Met; replaces threonine 372 with methionine.
Molecular consequence: missense variant.
Genome position (GRCh38, 1-based): chr4:5,752,852, C>T. VCF-style: chr4-5752852-C-T. GRCh37 (hg19) VCF-style: chr4-5754579-C-T.
Other names: c.1115C>T, p.Thr372Met (NM_001306090.2, NM_001306092.2); short protein forms T372M.
Identifiers: ClinVar variation 262765 (VCV000262765.34), dbSNP rs28483498, ClinGen allele CA2836012.

ClinVar aggregate classification (germline): Benign/Likely benign. Review status: criteria provided, multiple submitters, no conflicts (2 of 4 stars). 10 submissions from 10 submitters: Benign (8); Likely benign (1). 1 of the submissions does not count toward it. Last evaluated 2026-05-09.

Conditions:
Ellis-van Creveld syndrome (EVC). Also called: Chondroectodermal dysplasia; MESOECTODERMAL DYSPLASIA. Identifiers: Orphanet 289, MedGen C0013903, MONDO:0009162, OMIM 225500.
Curry-Hall syndrome (WAD). Also called: WEYERS ACRODENTAL DYSOSTOSIS. Identifiers: Orphanet 952, MedGen C0457013, MONDO:0008673, OMIM 193530.

Allele frequency attached by ClinVar (database versions not stated): 1000 Genomes Project 0.02716; 1000 Genomes Project 30x 0.02733; TOPMed 0.05484; gnomAD 0.06274 and 0.06438; ESP Exome Variant Server 0.06620.
gnomAD v4.1: 138,775 of 1,614,038 alleles (8.6%); highest among the groups gnomAD compares: Non-Finnish European, 9.9%; 6,743 homozygotes.

Submissions (10):

Women's Health and Genetics/Laboratory Corporation of America, LabCorp
Classification: Likely benign. Last evaluated: 2026-05-09. Review status: criteria provided, single submitter. Criteria: LabCorp Variant Classification Summary - May 2015. Collection method: clinical testing. Allele origin: germline.

Labcorp Genetics (formerly Invitae), Labcorp
Classification: Benign for Curry-Hall syndrome; Ellis-van Creveld syndrome. Last evaluated: 2026-02-04. Review status: criteria provided, single submitter. Criteria: Invitae Variant Classification Sherloc (09022015). Collection method: clinical testing. Allele origin: germline.

ARUP Laboratories, Molecular Genetics and Genomics, ARUP Laboratories
Classification: Benign. Last evaluated: 2025-04-17. Review status: criteria provided, single submitter. Criteria: ARUP Molecular Germline Variant Investigation Process 2024. Collection method: clinical testing. Allele origin: germline.

Blueprint Genetics
Classification: Benign. Last evaluated: 2024-11-26. Review status: criteria provided, single submitter. Criteria: ACMG Guidelines, 2015. Collection method: clinical testing. Allele origin: germline.

Pars Genome Lab
Classification: Benign for Ellis-van Creveld syndrome. Last evaluated: 2021-06-15. Review status: criteria provided, single submitter. Criteria: ACMG Guidelines, 2015. Collection method: clinical testing. Allele origin: germline. Affected: no.

Illumina Laboratory Services, Illumina
Classification: Benign for Ellis-van Creveld syndrome. Last evaluated: 2018-01-12. Review status: criteria provided, single submitter. Criteria: ICSL Variant Classification Criteria 13 December 2019. Collection method: clinical testing. Allele origin: germline.
Comment: This variant was observed in the ICSL laboratory as part of a predisposition screen in an ostensibly healthy population. It had not been previously curated by ICSL or reported in the Human Gene Mutation Database (HGMD: prior to June 1st, 2018), and was therefore a candidate for classification through an automated scoring system. Utilizing variant allele frequency, disease prevalence and penetrance estimates, and inheritance mode, an automated score was calculated to assess if this variant is too frequent to cause the disease. Based on the score and internal cut-off values, a variant classified as benign is not then subjected to further curation. The score for this variant resulted in a classification of benign for this disease.

GeneDx
Classification: Benign. Last evaluated: 2016-04-26. Review status: criteria provided, single submitter. Criteria: GeneDx Variant Classification (06012015). Collection method: clinical testing. Allele origin: germline. Affected: yes.
Comment: This variant is considered likely benign or benign based on one or more of the following criteria: it is a conservative change, it occurs at a poorly conserved position in the protein, it is predicted to be benign by multiple in silico algorithms, and/or has population frequency not consistent with disease.

Breakthrough Genomics
Classification: Benign. Review status: criteria provided, single submitter. Criteria: ACMG Guidelines, 2015. Collection method: not provided. Allele origin: germline. Inheritance: Autosomal recessive inheritance. Affected: yes.

PreventionGenetics, part of Exact Sciences
Classification: Benign. Review status: criteria provided, single submitter. Criteria: ACMG Guidelines, 2015. Collection method: clinical testing. Allele origin: germline.

Natera, Inc.
Classification: Benign for Ellis-van Creveld syndrome. Last evaluated: 2020-09-16. Review status: no assertion criteria provided. Collection method: clinical testing. Allele origin: germline. Not counted in ClinVar's aggregate classification.